The following is an entry in ClinVar:

ClinVar aggregate classification (germline): Conflicting classifications of pathogenicity. Review status: criteria provided, conflicting classifications (1 of 4 stars). 3 submissions from 3 submitters: Uncertain significance (2); Likely benign (1). Last evaluated 2026-01-27.

Conditions:
CACNA1C-related disorder. Also called: CACNA1C-related condition; CACNA1C-related disorders. Identifiers: MedGen CN381092, MONDO:0700321.
Long QT syndrome (LQTS). Identifiers: MedGen C0023976, MeSH D008133, MONDO:0002442. Disease mechanism: loss of function. Inheritance: Various modes of inheritance.
Cardiovascular phenotype. Identifiers: MedGen CN230736.

Allele frequency attached by ClinVar (database versions not stated): gnomAD 0.00001; ExAC 0.00002; TOPMed 0.00002; gnomAD exomes 0.00001.
gnomAD v4.1: 13 of 1,612,002 alleles (0.00081%); highest among the groups gnomAD compares: East Asian, 0.0067%; no homozygotes.

Submissions (3):

Labcorp Genetics (formerly Invitae), Labcorp
Classification: Likely benign for Long QT syndrome. Last evaluated: 2026-01-27. Review status: criteria provided, single submitter. Criteria: Invitae Variant Classification Sherloc (09022015). Collection method: clinical testing. Allele origin: germline.

PreventionGenetics, part of Exact Sciences
Classification: Uncertain significance for CACNA1C-related condition. Last evaluated: 2022-10-16. Review status: criteria provided, single submitter. Criteria: ACMG Guidelines, 2015. Collection method: clinical testing. Allele origin: germline.
Comment: The CACNA1C c.5339G>A variant is predicted to result in the amino acid substitution p.Arg1780His. This variant has also been reported in a registry of variants associated with Brugada syndrome (Supplementary Table 1, Chen et al. 2019. PubMed ID: 30662450) and was reported as a variant of uncertain significance in a study of genetics associated with Brugada syndrome (Campuzano et al. 2019. PubMed ID: 30821013). This variant is reported in 0.0056% of alleles in individuals of East Asian descent in gnomAD. Although we suspect that this variant may be benign, at this time, the clinical significance of this variant is uncertain due to the absence of conclusive functional and genetic evidence.

Ambry Genetics
Classification: Uncertain significance for Cardiovascular phenotype. Last evaluated: 2019-03-18. Review status: criteria provided, single submitter. Criteria: Ambry Variant Classification Scheme 2023. Collection method: clinical testing. Allele origin: germline.
Comment: The p.R1780H variant (also known as c.5339G>A), located in coding exon 42 of the CACNA1C gene, results from a G to A substitution at nucleotide position 5339. The arginine at codon 1780 is replaced by histidine, an amino acid with highly similar properties. This amino acid position is poorly conserved in available vertebrate species, and histidine is the reference amino acid in other vertebrate species. In addition, the in silico prediction for this alteration is inconclusive. Since supporting evidence is limited at this time, the clinical significance of this alteration remains unclear.

Literature cited by the submitters: PubMed 23575362 (cited by Ambry Genetics); PubMed 30662450 (cited by Ambry Genetics).

NM_000719.7(CACNA1C):c.5339G>A (p.Arg1780His)

Genes: CACNA1C (calcium voltage-gated channel subunit alpha1 C; plus strand), CACNA1C-AS1 (CACNA1C antisense RNA 1; minus strand). Cytogenetic location: 12p13.33.
Variant type: single nucleotide variant.
Coding change: c.5339G>A on transcript NM_000719.7 (MANE Select); coding-DNA position 5339, G replaced by A.
Protein change: p.Arg1780His; replaces arginine 1780 with histidine.
Molecular consequence: missense variant.
Genome position (GRCh38, 1-based): chr12:2,679,691, G>A. VCF-style: chr12-2679691-G-A. GRCh37 (hg19) VCF-style: chr12-2788857-G-A.
Other names: c.5483G>A, p.Arg1828His (NM_001129827.2, NM_199460.4); c.5462G>A, p.Arg1821His (NM_001129829.2); c.5339G>A, p.Arg1780His (NM_001129830.3, NM_001129840.2, NM_001129841.2 and 4 more transcripts); c.5423G>A, p.Arg1808His (NM_001129831.2); c.5399G>A, p.Arg1800His (NM_001129832.2); c.5396G>A, p.Arg1799His (NM_001129833.2, NM_001129834.2, NM_001129835.2); c.5390G>A, p.Arg1797His (NM_001129836.2); c.5363G>A, p.Arg1788His (NM_001129837.2, NM_001129838.2); and 3 more; short protein forms R1769H, R1780H, R1797H, R1777H, R1788H, R1800H, R1808H, R1821H.
Identifiers: ClinVar variation 945968 (VCV000945968.11), dbSNP rs756829999, ClinGen allele CA6389757.